The following is an entry in ClinVar:

ClinVar aggregate classification (germline): Pathogenic. Review status: reviewed by expert panel (3 of 4 stars). 3 submissions from 3 submitters: Pathogenic (1). 2 of the submissions do not count toward it. Last evaluated 2017-12-15.

Conditions:
Breast-ovarian cancer, familial, susceptibility to, 2 (BROVCA2). Also called: BRCA2 Hereditary Breast and Ovarian Cancer. Identifiers: Orphanet 145, MedGen C2675520, MONDO:0012933, OMIM 612555. Disease mechanism: loss of function.
Hereditary cancer-predisposing syndrome. Also called: Hereditary Cancer Syndrome; Hereditary neoplastic syndrome; Tumor predisposition; Neoplastic Syndromes, Hereditary. Identifiers: Orphanet 140162, MedGen C0027672, MeSH D009386, MONDO:0015356.
Hereditary breast ovarian cancer syndrome. Also called: Hereditary breast and ovarian cancer syndrome; BRCA1- and BRCA2-Associated Hereditary Breast and Ovarian Cancer; Hereditary breast and ovarian cancer syndrome (HBOC); Hereditary breast and/or ovarian cancer syndrome; Hereditary breast and ovarian cancer; Breast and ovarian cancer. Identifiers: Orphanet 145, MedGen C0677776, MeSH D061325, MONDO:0003582. Disease mechanism: loss of function.

Submissions (3):

Evidence-based Network for the Interpretation of Germline Mutant Alleles (ENIGMA)
Classification: Pathogenic for Breast-ovarian cancer, familial, susceptibility to, 2. Last evaluated: 2017-12-15. Review status: reviewed by expert panel. Criteria: ENIGMA BRCA1/2 Classification Criteria (2017-06-29). Collection method: curation. Allele origin: germline. Study: ENIGMA.
Comment: Variant allele predicted to encode a truncated non-functional protein.

Labcorp Genetics (formerly Invitae), Labcorp
Classification: Pathogenic for Hereditary breast ovarian cancer syndrome. Last evaluated: 2025-05-30. Review status: criteria provided, single submitter. Criteria: Invitae Variant Classification Sherloc (09022015). Collection method: clinical testing. Allele origin: germline. Not counted in ClinVar's aggregate classification.
Comment: This sequence change creates a premature translational stop signal (p.Leu1930*) in the BRCA2 gene. It is expected to result in an absent or disrupted protein product. Loss-of-function variants in BRCA2 are known to be pathogenic (PMID: 20104584). This variant is not present in population databases (gnomAD no frequency). This variant has not been reported in the literature in individuals affected with BRCA2-related conditions. ClinVar contains an entry for this variant (Variation ID: 441453). For these reasons, this variant has been classified as Pathogenic.

Ambry Genetics
Classification: Pathogenic for Hereditary cancer-predisposing syndrome. Last evaluated: 2015-10-05. Review status: criteria provided, single submitter. Criteria: Ambry Variant Classification Scheme 2023. Collection method: clinical testing. Allele origin: germline. Not counted in ClinVar's aggregate classification.
Comment: The p.L1930* pathogenic mutation (also known as c.5789T>G), located in coding exon 10 of the BRCA2 gene, results from a T to G substitution at nucleotide position 5789. This changes the amino acid from a leucine to a stop codon within coding exon 10. Since premature stop codons are typically deleterious in nature, this alteration is interpreted as a disease-causing mutation (ACMG Recommendations for Standards for Interpretation and Reporting of Sequence Variations. Revision 2007. Genet Med. 2008;10:294).

Literature cited by the submitters: PubMed 20104584 (cited by Labcorp Genetics (formerly Invitae), Labcorp); PubMed 16760289 (cited by Ambry Genetics); PubMed 25525159 (cited by Ambry Genetics).

NM_000059.4(BRCA2):c.5789T>G (p.Leu1930Ter)

Gene: BRCA2 (BRCA2 DNA repair associated; plus strand). Cytogenetic location: 13q13.1.
Variant type: single nucleotide variant.
Coding change: c.5789T>G on transcript NM_000059.4 (MANE Select); coding-DNA position 5789, T replaced by G.
Protein change: p.Leu1930Ter; replaces leucine 1930 with a stop codon.
Molecular consequence: nonsense.
Genome position (GRCh38, 1-based): chr13:32,340,144, T>G. VCF-style: chr13-32340144-T-G. GRCh37 (hg19) VCF-style: chr13-32914281-T-G.
Other names: short protein forms L1930*.
Identifiers: ClinVar variation 441453 (VCV000441453.6), dbSNP rs397507805, ClinGen allele CA387787169.